The following is an entry in ClinVar:

ClinVar aggregate classification (germline): Uncertain significance. Review status: criteria provided, multiple submitters, no conflicts (2 of 4 stars). 3 submissions from 3 submitters: Uncertain significance (3). Last evaluated 2024-08-17.

Conditions:
Lethal congenital glycogen storage disease of heart. Also called: PHOSPHORYLASE KINASE DEFICIENCY OF HEART; GLYCOGEN STORAGE DISEASE OF HEART. Identifiers: Orphanet 439854, MedGen C1849813, MONDO:0009867, OMIM 261740.
Cardiomyopathy (CMYO). Also called: Cardiomyopathies. Identifiers: Orphanet 167848, MedGen C0878544, MONDO:0004994, HP:0001638. Inheritance: Various modes of inheritance.
Cardiovascular phenotype. Identifiers: MedGen CN230736.

Allele frequency attached by ClinVar (database versions not stated): gnomAD exomes below 0.00001; ExAC 0.00001.
gnomAD v4.1: 3 of 1,606,914 alleles (0.00019%); highest among the groups gnomAD compares: Non-Finnish European, 0.00025%; no homozygotes.

Submissions (3):

Labcorp Genetics (formerly Invitae), Labcorp
Classification: Uncertain significance for Lethal congenital glycogen storage disease of heart. Last evaluated: 2024-08-17. Review status: criteria provided, single submitter. Criteria: Invitae Variant Classification Sherloc (09022015). Collection method: clinical testing. Allele origin: germline.
Comment: This sequence change replaces proline, which is neutral and non-polar, with serine, which is neutral and polar, at codon 66 of the PRKAG2 protein (p.Pro66Ser). This variant is present in population databases (rs764915841, gnomAD 0.001%). This variant has not been reported in the literature in individuals affected with PRKAG2-related conditions. ClinVar contains an entry for this variant (Variation ID: 927911). Invitae Evidence Modeling of protein sequence and biophysical properties (such as structural, functional, and spatial information, amino acid conservation, physicochemical variation, residue mobility, and thermodynamic stability) indicates that this missense variant is not expected to disrupt PRKAG2 protein function with a negative predictive value of 95%. In summary, the available evidence is currently insufficient to determine the role of this variant in disease. Therefore, it has been classified as a Variant of Uncertain Significance.

Color Diagnostics, LLC DBA Color Health
Classification: Uncertain significance for Cardiomyopathy. Last evaluated: 2023-12-04. Review status: criteria provided, single submitter. Criteria: ACMG Guidelines, 2015. Collection method: clinical testing. Allele origin: germline.
Comment: This missense variant replaces proline with serine at codon 66 of the PRKAG2 protein. Computational prediction tools and conservation analyses are inconclusive regarding the impact of this variant on protein structure and function. Splice site prediction tools suggest that this variant may not impact RNA splicing. To our knowledge, functional studies have not been performed for this variant. This variant has not been reported in individuals affected with cardiovascular disorders in the literature. This variant has been identified in 1/231670 chromosomes in the general population by the Genome Aggregation Database (gnomAD). The available evidence is insufficient to determine the role of this variant in disease conclusively. Therefore, this variant is classified as a Variant of Uncertain Significance.

Ambry Genetics
Classification: Uncertain significance for Cardiovascular phenotype. Last evaluated: 2023-11-01. Review status: criteria provided, single submitter. Criteria: Ambry Variant Classification Scheme 2023. Collection method: clinical testing. Allele origin: germline.
Comment: The p.P66S variant (also known as c.196C>T), located in coding exon 3 of the PRKAG2 gene, results from a C to T substitution at nucleotide position 196. The proline at codon 66 is replaced by serine, an amino acid with similar properties. This amino acid position is conserved. In addition, this alteration is predicted to be tolerated by in silico analysis. Since supporting evidence is limited at this time, the clinical significance of this alteration remains unclear.

NM_016203.4(PRKAG2):c.196C>T (p.Pro66Ser)

Gene: PRKAG2 (protein kinase AMP-activated non-catalytic subunit gamma 2; minus strand). Cytogenetic location: 7q36.1.
Variant type: single nucleotide variant.
Coding change: c.196C>T on transcript NM_016203.4 (MANE Select); coding-DNA position 196, C replaced by T.
Protein change: p.Pro66Ser; replaces proline 66 with serine.
Molecular consequence: missense variant.
Genome position (GRCh38, 1-based): chr7:151,781,422, G>A on the plus strand (C>T on the coding strand, the complement: PRKAG2 is on the minus strand). VCF-style: chr7-151781422-G-A. GRCh37 (hg19) VCF-style: chr7-151478508-G-A.
Other names: c.64C>T, p.Pro22Ser (NM_001040633.2); c.196C>T (NM_016203.3); short protein forms P22S, P66S.
Identifiers: ClinVar variation 927911 (VCV000927911.9), dbSNP rs764915841, ClinGen allele CA056418.